The following is an entry in ClinVar:

NM_005413.4(SIX3):c.947C>T (p.Thr316Ile)

Gene: SIX3 (SIX homeobox 3; plus strand). Cytogenetic location: 2p21.
Variant type: single nucleotide variant.
Coding change: c.947C>T on transcript NM_005413.4 (MANE Select); coding-DNA position 947, C replaced by T.
Protein change: p.Thr316Ile; replaces threonine 316 with isoleucine.
Molecular consequence: missense variant.
Genome position (GRCh38, 1-based): chr2:44,944,708, C>T. VCF-style: chr2-44944708-C-T. GRCh37 (hg19) VCF-style: chr2-45171847-C-T.
Other names: c.947C>T (NM_005413.3); short protein forms T316I.
Identifiers: ClinVar variation 285308 (VCV000285308.17), dbSNP rs201922529, ClinGen allele CA1642418.

ClinVar aggregate classification (germline): Conflicting classifications of pathogenicity. Review status: criteria provided, conflicting classifications (1 of 4 stars). 4 submissions from 4 submitters: Uncertain significance (1); Likely benign (3). Last evaluated 2026-07-02.

Conditions:
SIX3-related disorder. Also called: SIX3-related condition; SIX3-Related Disorders.
Holoprosencephaly 2 (HPE2). Identifiers: Orphanet 2162, MedGen C1834877, MONDO:0007999, OMIM 157170.

Allele frequency attached by ClinVar (database versions not stated): gnomAD exomes 0.00027 and 0.00060; gnomAD 0.00029 and 0.00030; 1000 Genomes Project 30x 0.00031; ESP Exome Variant Server 0.00032; TOPMed 0.00032; ExAC 0.00052.
gnomAD v4.1: 462 of 1,588,520 alleles (0.029%); highest among the groups gnomAD compares: Admixed American, 0.02%; 2 homozygotes.

Submissions (4):

PreventionGenetics, part of Exact Sciences
Classification: Likely benign for SIX3-related condition. Last evaluated: 2026-07-02. Review status: criteria provided, single submitter. Criteria: ACMG Guidelines, 2015. Collection method: clinical testing. Allele origin: germline.
Comment: This variant is classified as likely benign based on ACMG/AMP sequence variant interpretation guidelines (Richards et al. 2015 PMID: 25741868, with internal and published modifications).

Labcorp Genetics (formerly Invitae), Labcorp
Classification: Likely benign for Holoprosencephaly 2. Last evaluated: 2025-12-01. Review status: criteria provided, single submitter. Criteria: Invitae Variant Classification Sherloc (09022015). Collection method: clinical testing. Allele origin: germline.

Blueprint Genetics
Classification: Likely benign. Last evaluated: 2024-11-22. Review status: criteria provided, single submitter. Criteria: ACMG Guidelines, 2015. Collection method: clinical testing. Allele origin: germline.

Eurofins Ntd Llc (ga)
Classification: Uncertain significance. Last evaluated: 2015-12-18. Review status: criteria provided, single submitter. Criteria: EGL Classification Definitions 2015. Collection method: clinical testing. Allele origin: germline. Observed: 1 variant allele, 1 heterozygote.